The following is an entry in ClinVar:

ClinVar aggregate classification (germline): Uncertain significance (1 of 4 stars; one submission).

Allele frequency attached by ClinVar (database versions not stated): gnomAD exomes below 0.00001.

Submission:

Labcorp Genetics (formerly Invitae), Labcorp
Classification: Uncertain significance. Last evaluated: 2023-08-17. Review status: criteria provided, single submitter. Criteria: Invitae Variant Classification Sherloc (09022015). Collection method: clinical testing. Allele origin: germline.
Comment: This sequence change replaces methionine, which is neutral and non-polar, with valine, which is neutral and non-polar, at codon 126 of the SOX11 protein (p.Met126Val). In summary, the available evidence is currently insufficient to determine the role of this variant in disease. Therefore, it has been classified as a Variant of Uncertain Significance. Advanced modeling of protein sequence and biophysical properties (such as structural, functional, and spatial information, amino acid conservation, physicochemical variation, residue mobility, and thermodynamic stability) performed at Invitae indicates that this missense variant is not expected to disrupt SOX11 protein function. ClinVar contains an entry for this variant (Variation ID: 1353630). This variant has not been reported in the literature in individuals affected with SOX11-related conditions. This variant is not present in population databases (gnomAD no frequency).

NM_003108.4(SOX11):c.376A>G (p.Met126Val)

Gene: SOX11 (SRY-box transcription factor 11; plus strand). Cytogenetic location: 2p25.2.
Variant type: single nucleotide variant.
Coding change: c.376A>G on transcript NM_003108.4 (MANE Select); coding-DNA position 376, A replaced by G.
Protein change: p.Met126Val; replaces methionine 126 with valine.
Molecular consequence: missense variant.
Genome position (GRCh38, 1-based): chr2:5,693,097, A>G. VCF-style: chr2-5693097-A-G. GRCh37 (hg19) VCF-style: chr2-5833229-A-G.
Other names: short protein forms M126V.
Identifiers: ClinVar variation 1353630 (VCV001353630.6), dbSNP rs2103276462, ClinGen allele CA345866577.
Genomic context (GRCh38, chr2:5,693,097, plus strand): 5'-CGGCTCAAGCACATGGCCGACTACCCCGACTACAAGTACCGGCCCCGGAAAAAGCCCAAA[A>G]TGGACCCCTCGGCCAAGCCCAGCGCCAGCCAGAGCCCAGAGAAGAGCGCGGCCGGCGGCG-3'
Protein context (NP_003099.1, residues 116-136): YKYRPRKKPK[Met126Val]DPSAKPSASQ